The following is an entry in ClinVar:

ClinVar aggregate classification (germline): Uncertain significance (1 of 4 stars; one submission).

Conditions:
Hereditary cancer-predisposing syndrome. Also called: Hereditary neoplastic syndrome; Hereditary Cancer Syndrome; Neoplastic Syndromes, Hereditary; Tumor predisposition. Identifiers: Orphanet 140162, MedGen C0027672, MeSH D009386, MONDO:0015356.

Submission:

Ambry Genetics
Classification: Uncertain significance for Hereditary cancer-predisposing syndrome. Last evaluated: 2023-03-18. Review status: criteria provided, single submitter. Criteria: Ambry Variant Classification Scheme 2023. Collection method: clinical testing. Allele origin: germline.
Comment: The p.S1067R variant (also known as c.3201T>G), located in coding exon 5 of the MSH6 gene, results from a T to G substitution at nucleotide position 3201. The serine at codon 1067 is replaced by arginine, an amino acid with dissimilar properties. This amino acid position is conserved. In addition, this alteration is predicted to be deleterious by in silico analysis. Since supporting evidence is limited at this time, the clinical significance of this alteration remains unclear.

NM_000179.3(MSH6):c.3201T>G (p.Ser1067Arg)

Gene: MSH6 (mutS homolog 6; plus strand). Cytogenetic location: 2p16.3.
Variant type: single nucleotide variant.
Coding change: c.3201T>G on transcript NM_000179.3 (MANE Select); coding-DNA position 3201, T replaced by G.
Protein change: p.Ser1067Arg; replaces serine 1067 with arginine.
Molecular consequence: missense variant. On other transcripts: 5 prime UTR variant (1), non-coding transcript variant (5), intron variant (1).
Genome position (GRCh38, 1-based): chr2:47,803,448, T>G. VCF-style: chr2-47803448-T-G. GRCh37 (hg19) VCF-style: chr2-48030587-T-G.
Other names: c.2811T>G, p.Ser937Arg (NM_001281492.2); c.2295T>G, p.Ser765Arg (NM_001281493.2, NM_001281494.2, NM_001406811.1 and 6 more transcripts); c.3297T>G, p.Ser1099Arg (NM_001406795.1, NM_001406802.1); c.3201T>G, p.Ser1067Arg (NM_001406796.1, NM_001406800.1, NM_001406808.1 and 1 more transcripts); c.2904T>G, p.Ser968Arg (NM_001406797.1, NM_001406801.1, NM_001406805.1 and 10 more transcripts); c.2676T>G, p.Ser892Arg (NM_001406799.1, NM_001406806.1, NM_001406807.1); c.2337T>G, p.Ser779Arg (NM_001406803.1); c.3123T>G, p.Ser1041Arg (NM_001406804.1); and 7 more; short protein forms S1069R, S16R, S382R, S765R, S1011R, S1041R, S1099R, S968R.
Identifiers: ClinVar variation 2567451 (VCV002567451.2), dbSNP rs878853731, ClinGen allele CA346757876.